The following is an entry in ClinVar:

NM_001360.3(DHCR7):c.296T>C (p.Leu99Pro)

Gene: DHCR7 (7-dehydrocholesterol reductase; minus strand). Cytogenetic location: 11q13.4.
Variant type: single nucleotide variant.
Coding change: c.296T>C on transcript NM_001360.3 (MANE Select); coding-DNA position 296, T replaced by C.
Protein change: p.Leu99Pro; replaces leucine 99 with proline.
Molecular consequence: missense variant.
Genome position (GRCh38, 1-based): chr11:71,444,018, A>G on the plus strand (T>C on the coding strand, the complement: DHCR7 is on the minus strand). VCF-style: chr11-71444018-A-G. GRCh37 (hg19) VCF-style: chr11-71155064-A-G.
Other names: c.296T>C, p.Leu99Pro (NM_001163817.2); short protein forms L99P.
Identifiers: ClinVar variation 553296 (VCV000553296.22), dbSNP rs104886041, ClinGen allele CA6162643.
Genomic context (GRCh38, chr11:71,444,018, plus strand): 5'-TGCTGTGTCCCAACCCCAGGGCAGGGGCTGCTGACCTGGAAGGTGACCCACAAGGTATAG[A>G]GCTGGGCGGCTTTCCTCGTTATAGGTGGAGTCTTGGCCCAGATGTCCGAGAGCCGAGCAT-3'
Protein context (NP_001351.2, residues 89-109): TPPITRKAAQ[Leu99Pro]YTLWVTFQVL

ClinVar aggregate classification (germline): Pathogenic/Likely pathogenic. Review status: criteria provided, multiple submitters, no conflicts (2 of 4 stars). 6 submissions from 6 submitters: Pathogenic (2); Likely pathogenic (3). 1 of the submissions does not count toward it. Last evaluated 2026-04-28.

Conditions:
Smith-Lemli-Opitz syndrome (SLOS). Also called: 7-Dehydrocholesterol reductase deficiency; LETHAL ACRODYSGENITAL SYNDROME; POLYDACTYLY, SEX REVERSAL, RENAL HYPOPLASIA, AND UNILOBAR LUNG; RSH SYNDROME; RUTLEDGE LETHAL MULTIPLE CONGENITAL ANOMALY SYNDROME. Identifiers: Orphanet 818, MedGen C0175694, MONDO:0010035, OMIM 270400.

Allele frequency attached by ClinVar (database versions not stated): gnomAD exomes below 0.00001 and 0.00001; ExAC 0.00001.
gnomAD v4.1: 17 of 1,612,960 alleles (0.0011%); highest among the groups gnomAD compares: Non-Finnish European, 0.0014%; no homozygotes.

Submissions (6):

Myriad Genetics, Inc.
Classification: Likely pathogenic for Smith-Lemli-Opitz syndrome. Last evaluated: 2026-04-28. Review status: criteria provided, single submitter. Criteria: Myriad Autosomal Dominant, Autosomal Recessive and X-Linked Classification Criteria (2023). Collection method: clinical testing. Allele origin: unknown.
Comment: NM_001360.2(DHCR7):c.296T>C(L99P) is a missense variant classified as likely pathogenic in the context of Smith-Lemli-Opitz syndrome. L99P has been observed in cases with relevant disease (PMID: 16181459, 10814720, 9653161, 40722188). Relevant functional assessments of this variant are available in the literature (PMID: 9653161). L99P has been observed in referenced population frequency databases. In summary, NM_001360.2(DHCR7):c.296T>C(L99P) is a missense variant that has functional support for pathogenicity and has been observed more frequently in cases with the relevant disease than in healthy populations. Please note: this variant was assessed in the context of healthy population screening.

Natera, Inc.
Classification: Likely pathogenic for Smith-Lemli-Opitz syndrome. Last evaluated: 2024-10-15. Review status: criteria provided, single submitter. Criteria: Natera Variant Classification Schema (03/2026). Collection method: clinical testing. Allele origin: germline.
Comment: The c.296T>C variant in DHCR7 is a missense variant predicted to cause substitution of leucine to proline at amino acid 99. This variant is rare in the general population with a frequency below the threshold expected for the associated phenotype(s). This variant has been observed in one or more individuals affected with the associated recessive disease, as either homozygous or compound heterozygous with a second variant (PMID: 31840946, 9653161, 16181459, 10814720). Computational prediction algorithms indicate this variant is likely to affect gene or protein function. Given the available evidence, this variant is classified as Likely Pathogenic.

GeneDx
Classification: Pathogenic. Last evaluated: 2024-01-10. Review status: criteria provided, single submitter. Criteria: GeneDx Variant Classification Process June 2021. Collection method: clinical testing. Allele origin: germline. Affected: yes.
Comment: Published functional studies demonstrate a damaging effect [variant reduced DHCR7 protein expression of to less than 10% of wildtype] (PMID: 9653161); Not observed at significant frequency in large population cohorts (gnomAD); In silico analysis supports that this missense variant has a deleterious effect on protein structure/function; This variant is associated with the following publications: (PMID: 31840946, 16181459, 10814720, 11175299, 9653161)

Labcorp Genetics (formerly Invitae), Labcorp
Classification: Pathogenic for Smith-Lemli-Opitz syndrome. Last evaluated: 2023-09-05. Review status: criteria provided, single submitter. Criteria: Invitae Variant Classification Sherloc (09022015). Collection method: clinical testing. Allele origin: germline.
Comment: For these reasons, this variant has been classified as Pathogenic. Experimental studies have shown that this missense change affects DHCR7 function (PMID: 9653161). Advanced modeling of protein sequence and biophysical properties (such as structural, functional, and spatial information, amino acid conservation, physicochemical variation, residue mobility, and thermodynamic stability) performed at Invitae indicates that this missense variant is expected to disrupt DHCR7 protein function. ClinVar contains an entry for this variant (Variation ID: 553296). This missense change has been observed in individual(s) with Smith-Lemli-Opitz syndrome (PMID: 9653161, 16181459). In at least one individual the data is consistent with being in trans (on the opposite chromosome) from a pathogenic variant. This variant is present in population databases (rs104886041, gnomAD 0.0009%). This sequence change replaces leucine, which is neutral and non-polar, with proline, which is neutral and non-polar, at codon 99 of the DHCR7 protein (p.Leu99Pro).

ARUP Laboratories, Molecular Genetics and Genomics, ARUP Laboratories
Classification: Likely pathogenic. Last evaluated: 2017-12-01. Review status: criteria provided, single submitter. Criteria: ARUP Molecular Germline Variant Investigation Process. Collection method: clinical testing. Allele origin: germline.

Counsyl
Classification: Likely pathogenic for Smith-Lemli-Opitz syndrome. Last evaluated: 2017-08-15. Review status: no assertion criteria provided. Collection method: clinical testing. Allele origin: unknown. Not counted in ClinVar's aggregate classification.

Literature cited by the submitters: PubMed 10814720 (cited by 3 submitters); PubMed 16181459 (cited by 4 submitters); PubMed 40722188 (cited by Myriad Genetics, Inc.); PubMed 9653161 (cited by 4 submitters); PubMed 31840946 (cited by Natera, Inc.).